The following is an entry in ClinVar:

ClinVar aggregate classification (germline): Uncertain significance (1 of 4 stars; one submission).

Submission:

Labcorp Genetics (formerly Invitae), Labcorp
Classification: Uncertain significance. Last evaluated: 2022-04-17. Review status: criteria provided, single submitter. Criteria: Invitae Variant Classification Sherloc (09022015). Collection method: clinical testing. Allele origin: germline.
Comment: In summary, the available evidence is currently insufficient to determine the role of this variant in disease. Therefore, it has been classified as a Variant of Uncertain Significance. Algorithms developed to predict the effect of missense changes on protein structure and function are either unavailable or do not agree on the potential impact of this missense change (SIFT: "Deleterious"; PolyPhen-2: "Benign"; Align-GVGD: "Class C0"). This variant has not been reported in the literature in individuals affected with CACNA2D4-related conditions. This variant is not present in population databases (gnomAD no frequency). This sequence change replaces glycine, which is neutral and non-polar, with serine, which is neutral and polar, at codon 4 of the CACNA2D4 protein (p.Gly4Ser).

NM_172364.5(CACNA2D4):c.10G>A (p.Gly4Ser)

Gene: CACNA2D4 (calcium voltage-gated channel auxiliary subunit alpha2delta 4; minus strand). Cytogenetic location: 12p13.33.
Variant type: single nucleotide variant.
Coding change: c.10G>A on transcript NM_172364.5 (MANE Select); coding-DNA position 10, G replaced by A.
Protein change: p.Gly4Ser; replaces glycine 4 with serine.
Molecular consequence: missense variant.
Genome position (GRCh38, 1-based): chr12:1,918,464, C>T on the plus strand (G>A on the coding strand, the complement: CACNA2D4 is on the minus strand). VCF-style: chr12-1918464-C-T. GRCh37 (hg19) VCF-style: chr12-2027630-C-T.
Other names: short protein forms G4S.
Identifiers: ClinVar variation 1972034 (VCV001972034.5), dbSNP rs2497380655, ClinGen allele CA383366437.
Genomic context (GRCh38, chr12:1,918,464, plus strand): 5'-AGTTGGGAGTTGCAGGCATGGTGGGCCTGGGGTTGGGGAGGGGAAGGAGGGCAGAGCAGC[C>T]ACAGACCATGAGCTCTGTCTGCCTTCCTCCCAGACCCCAGGACGCCCCAGGCCTTTGTCT-3'
Protein context (NP_758952.4, residues 1-14): MVC[Gly4Ser]CSALLPLPNP